The following is an entry in ClinVar:

NM_000051.4(ATM):c.5177+2dup

Gene: ATM (ATM serine/threonine kinase; plus strand). Cytogenetic location: 11q22.3.
Variant type: Duplication.
Coding change: c.5177+2dup on transcript NM_000051.4 (MANE Select); the canonical splice donor site of the intron after coding-DNA position 5177, one base duplicated (T; older notation c.5177+2dupT).
Molecular consequence: splice donor variant.
Genome position (GRCh38, 1-based): chr11:108,299,887, T duplicated. VCF-style (leftmost placement, unchanged base first): chr11-108299886-G-GT. GRCh37 (hg19) VCF-style: chr11-108170613-G-GT.
Other names: c.5177+2dup (NM_001351834.2).
Identifiers: ClinVar variation 3728766 (VCV003728766.2).

ClinVar aggregate classification (germline): Uncertain significance (1 of 4 stars; one submission).

Conditions:
Ataxia-telangiectasia syndrome (AT). Also called: ATAXIA-TELANGIECTASIA, COMPLEMENTATION GROUP A; ATAXIA-TELANGIECTASIA, FRESNO VARIANT; Ataxia-telangiectasia; Ataxia-telangiectasia, complementation group D; Ataxia-telangiectasia, complementation group E; AT, COMPLEMENTATION GROUP C. Identifiers: Orphanet 100, MedGen C0004135, MONDO:0008840, OMIM 208900.

Submission:

Labcorp Genetics (formerly Invitae), Labcorp
Classification: Uncertain significance for Ataxia-telangiectasia syndrome. Last evaluated: 2025-01-14. Review status: criteria provided, single submitter. Criteria: Invitae Variant Classification Sherloc (09022015). Collection method: clinical testing. Allele origin: germline.
Comment: This sequence change falls in intron 34 of the ATM gene. It does not directly change the encoded amino acid sequence of the ATM protein. It affects a nucleotide within the consensus splice site. This variant is not present in population databases (gnomAD no frequency). This variant has not been reported in the literature in individuals affected with ATM-related conditions. Variants that disrupt the consensus splice site are a relatively common cause of aberrant splicing (PMID: 17576681, 9536098). Algorithms developed to predict the effect of sequence changes on RNA splicing suggest that this variant may disrupt the consensus splice site. In summary, the available evidence is currently insufficient to determine the role of this variant in disease. Therefore, it has been classified as a Variant of Uncertain Significance.

Literature cited by the submitters: PubMed 17576681; PubMed 9536098.